The following is an entry in ClinVar:

ClinVar aggregate classification (germline): Likely benign (1 of 4 stars; one submission).

gnomAD v4.1: 4 of 1,551,714 alleles (0.00026%); highest among the groups gnomAD compares: Non-Finnish European, 0.00035%; no homozygotes.

Submission:

Molecular Diagnostic Laboratory for Inherited Cardiovascular Disease, Montreal Heart Institute
Classification: Likely benign. Last evaluated: 2025-04-09. Review status: criteria provided, single submitter. Criteria: ACMG Guidelines, 2015. Collection method: clinical testing. Allele origin: germline. Affected: no.
Comment: BP5;BP7

NM_001134363.3(RBM20):c.2724G>A (p.Leu908=)

Gene: RBM20 (RNA binding motif protein 20; plus strand). Cytogenetic location: 10q25.2.
Variant type: single nucleotide variant.
Coding change: c.2724G>A on transcript NM_001134363.3 (MANE Select); coding-DNA position 2724, G replaced by A.
Protein change: p.Leu908=; no amino-acid change (leucine 908 retained).
Molecular consequence: synonymous variant.
Genome position (GRCh38, 1-based): chr10:110,821,343, G>A. VCF-style: chr10-110821343-G-A. GRCh37 (hg19) VCF-style: chr10-112581101-G-A.
Identifiers: ClinVar variation 3895325 (VCV003895325.1).
Genomic context (GRCh38, chr10:110,821,343, plus strand): 5'-TTGGGAGAGTGAAAGTGAGGCAGAGGGGGAGAGCTGGTATCCCACTAACATGGAGGAGCT[G>A]GTGACAGTGGACGAGGTTGGGGAAGAAGAAGATTTTATCGTGGAACCAGACATCCCAGAG-3'
Protein context (NP_001127835.2, residues 898-918): ESWYPTNMEE[Leu908=]VTVDEVGEEE